The following is an entry in ClinVar:

ClinVar aggregate classification (germline): Pathogenic (1 of 4 stars; one submission).

Conditions:
LAMA2-related muscular dystrophy (LAMA2-RD). Also called: Laminin alpha 2-related dystrophy. Identifiers: MedGen C5679788, MONDO:0100228.

Submission:

Labcorp Genetics (formerly Invitae), Labcorp
Classification: Pathogenic for LAMA2-related muscular dystrophy. Last evaluated: 2023-10-23. Review status: criteria provided, single submitter. Criteria: Invitae Variant Classification Sherloc (09022015). Collection method: clinical testing. Allele origin: germline.
Comment: This variant is a gross deletion of the genomic region encompassing exon(s) 56 of the LAMA2 gene. This deletion is out-of-frame, and is expected to create a premature termination codon and result in an absent or disrupted protein product. Loss-of-function variants in LAMA2 are known to be pathogenic (PMID: 18700894, 32904964). A similar copy number variant has been observed in individual(s) with congenital muscular dystrophy (PMID: 18700894). For these reasons, this variant has been classified as Pathogenic.

Literature cited by the submitters: PubMed 18700894; PubMed 32904964.

NC_000006.11:g.(?_129807599)_(129807787_?)del

Gene: LAMA2 (laminin subunit alpha 2; plus strand). Cytogenetic location: 6q22.33.
Variant type: Deletion.
Identifiers: ClinVar variation 1375905 (VCV001375905.6).